The following is an entry in ClinVar:

ClinVar aggregate classification (germline): Pathogenic (1 of 4 stars; one submission).

Submission:

Labcorp Genetics (formerly Invitae), Labcorp
Classification: Pathogenic. Last evaluated: 2022-10-28. Review status: criteria provided, single submitter. Criteria: Invitae Variant Classification Sherloc (09022015). Collection method: clinical testing. Allele origin: germline.
Comment: For these reasons, this variant has been classified as Pathogenic. This variant has not been reported in the literature in individuals affected with LCA5-related conditions. This variant is not present in population databases (gnomAD no frequency). This sequence change creates a premature translational stop signal (p.Thr365Leufs*18) in the LCA5 gene. It is expected to result in an absent or disrupted protein product. Loss-of-function variants in LCA5 are known to be pathogenic (PMID: 17546029, 23946133).

Literature cited by the submitters: PubMed 17546029; PubMed 23946133.

NM_001122769.3(LCA5):c.1090del (p.Thr365fs)

Gene: LCA5 (lebercilin LCA5; minus strand). Cytogenetic location: 6q14.1.
Variant type: Deletion.
Coding change: c.1090del on transcript NM_001122769.3 (MANE Select); coding-DNA position 1090, one base deleted (C; older notation c.1090delC).
Protein change: p.Thr365fs; shifts the reading frame from threonine 365.
Molecular consequence: frameshift variant.
Genome position (GRCh38, 1-based): chr6:79,491,596, G deleted on the plus strand (C on the coding strand, the reverse complement: LCA5 is on the minus strand). VCF-style (leftmost placement, unchanged base first): chr6-79491595-AG-A. GRCh37 (hg19) VCF-style: chr6-80201312-AG-A.
Other names: c.1090del, p.Thr365fs (NM_181714.4); short protein forms T365fs.
Identifiers: ClinVar variation 2810340 (VCV002810340.3), dbSNP rs2533385513, ClinGen allele CA2739273262.